The following is an entry in ClinVar:

NM_001165963.4(SCN1A):c.2415+5G>A

Gene: SCN1A (sodium voltage-gated channel alpha subunit 1; minus strand). Cytogenetic location: 2q24.3.
Variant type: single nucleotide variant.
Coding change: c.2415+5G>A on transcript NM_001165963.4 (MANE Select); 5 bases into the intron after coding-DNA position 2415, G replaced by A.
Molecular consequence: intron variant. On other transcripts: 5 prime UTR variant (1).
Genome position (GRCh38, 1-based): chr2:166,041,226, C>T on the plus strand (G>A on the coding strand, the complement: SCN1A is on the minus strand). VCF-style: chr2-166041226-C-T. GRCh37 (hg19) VCF-style: chr2-166897736-C-T.
Other names: c.-39G>A (NM_001353961.2); c.2382+5G>A (NM_001353949.2, NM_001353950.2, NM_001353951.2 and 2 more transcripts); c.2331+5G>A (NM_001353958.2, NM_001353957.2, NM_001165964.3); c.2415+5G>A (NM_001202435.3, NM_001353948.2); c.2379+5G>A (NM_001353955.2, NM_001353954.2); c.2328+5G>A (NM_001353960.2).
Identifiers: ClinVar variation 3704370 (VCV003704370.2).

ClinVar aggregate classification (germline): Uncertain significance (1 of 4 stars; one submission).

Conditions:
Early-infantile DEE. Also called: Early infantile epileptic encephalopathy with suppression bursts; Early infantile epileptic encephalopathy; Ohtahara syndrome. Identifiers: Orphanet 1934, MedGen C0393706, MONDO:0800491.

Submission:

Labcorp Genetics (formerly Invitae), Labcorp
Classification: Uncertain significance for Early-infantile DEE. Last evaluated: 2024-08-18. Review status: criteria provided, single submitter. Criteria: Invitae Variant Classification Sherloc (09022015). Collection method: clinical testing. Allele origin: germline.
Comment: This sequence change falls in intron 13 of the SCN1A gene. It does not directly change the encoded amino acid sequence of the SCN1A protein. It affects a nucleotide within the consensus splice site. This variant is not present in population databases (gnomAD no frequency). This variant has been observed in individual(s) with Dravet syndrome (PMID: 32613771). Variants that disrupt the consensus splice site are a relatively common cause of aberrant splicing (PMID: 17576681, 9536098). Algorithms developed to predict the effect of sequence changes on RNA splicing suggest that this variant may disrupt the consensus splice site. In summary, the available evidence is currently insufficient to determine the role of this variant in disease. Therefore, it has been classified as a Variant of Uncertain Significance.

Literature cited by the submitters: PubMed 32613771; PubMed 17576681; PubMed 9536098.